The following is an entry in ClinVar:

NM_000051.4(ATM):c.1712C>A (p.Ser571Tyr)

Gene: ATM (ATM serine/threonine kinase; plus strand). Cytogenetic location: 11q22.3.
Variant type: single nucleotide variant.
Coding change: c.1712C>A on transcript NM_000051.4 (MANE Select); coding-DNA position 1712, C replaced by A.
Protein change: p.Ser571Tyr; replaces serine 571 with tyrosine.
Molecular consequence: missense variant.
Genome position (GRCh38, 1-based): chr11:108,251,941, C>A. VCF-style: chr11-108251941-C-A. GRCh37 (hg19) VCF-style: chr11-108122668-C-A.
Other names: c.1712C>A, p.Ser571Tyr (NM_001351834.2); short protein forms S571Y.
Identifiers: ClinVar variation 1778586 (VCV001778586.2), dbSNP rs2135341960, ClinGen allele CA382535264.

ClinVar aggregate classification (germline): Uncertain significance (1 of 4 stars; one submission).

Conditions:
Hereditary cancer-predisposing syndrome. Also called: Neoplastic Syndromes, Hereditary; Tumor predisposition; Hereditary Cancer Syndrome; Hereditary neoplastic syndrome. Identifiers: Orphanet 140162, MedGen C0027672, MeSH D009386, MONDO:0015356.

Submission:

Ambry Genetics
Classification: Uncertain significance for Hereditary cancer-predisposing syndrome. Last evaluated: 2019-08-20. Review status: criteria provided, single submitter. Criteria: Ambry Variant Classification Scheme 2023. Collection method: clinical testing. Allele origin: germline.
Comment: The p.S571Y variant (also known as c.1712C>A), located in coding exon 10 of the ATM gene, results from a C to A substitution at nucleotide position 1712. The serine at codon 571 is replaced by tyrosine, an amino acid with dissimilar properties. This amino acid position is well conserved in available vertebrate species. In addition, this alteration is predicted to be tolerated by in silico analysis. Since supporting evidence is limited at this time, the clinical significance of this alteration remains unclear.